The following is an entry in ClinVar:

NM_000350.3(ABCA4):c.3674T>C (p.Ile1225Thr)

Genes: ABCA4 (ATP binding cassette subfamily A member 4; minus strand), LOC126805794 (BRD4-independent group 4 enhancer GRCh37_chr1:94502188-94503387; plus strand). Cytogenetic location: 1p22.1.
Variant type: single nucleotide variant.
Coding change: c.3674T>C on transcript NM_000350.3 (MANE Select); coding-DNA position 3674, T replaced by C.
Protein change: p.Ile1225Thr; replaces isoleucine 1225 with threonine.
Molecular consequence: missense variant.
Genome position (GRCh38, 1-based): chr1:94,037,284, A>G on the plus strand (T>C on the coding strand, the complement: ABCA4 is on the minus strand). VCF-style: chr1-94037284-A-G. GRCh37 (hg19) VCF-style: chr1-94502840-A-G.
Other names: c.3452T>C, p.Ile1151Thr (NM_001425324.1); c.3674T>C (NM_000350.2); short protein forms I1225T, I1151T.
Identifiers: ClinVar variation 1014386 (VCV001014386.9), dbSNP rs1660365201, ClinGen allele CA341289450.

ClinVar aggregate classification (germline): Uncertain significance. Review status: criteria provided, multiple submitters, no conflicts (2 of 4 stars). 2 submissions from 2 submitters: Uncertain significance (2). Last evaluated 2024-03-31.

Conditions:
Inborn genetic diseases. Identifiers: MedGen C0950123, MeSH D030342.

Allele frequency attached by ClinVar (database versions not stated): gnomAD exomes below 0.00001.
gnomAD v4.1: 2 of 1,614,210 alleles (0.00012%); highest among the groups gnomAD compares: East Asian, 0.0022%; no homozygotes.

Submissions (2):

Ambry Genetics
Classification: Uncertain significance for Inborn genetic diseases. Last evaluated: 2024-03-31. Review status: criteria provided, single submitter. Criteria: Ambry Variant Classification Scheme 2023. Collection method: clinical testing. Allele origin: germline.

Labcorp Genetics (formerly Invitae), Labcorp
Classification: Uncertain significance. Last evaluated: 2024-03-04. Review status: criteria provided, single submitter. Criteria: Invitae Variant Classification Sherloc (09022015). Collection method: clinical testing. Allele origin: germline.
Comment: This sequence change replaces isoleucine, which is neutral and non-polar, with threonine, which is neutral and polar, at codon 1225 of the ABCA4 protein (p.Ile1225Thr). This variant is not present in population databases (gnomAD no frequency). This variant has not been reported in the literature in individuals affected with ABCA4-related conditions. ClinVar contains an entry for this variant (Variation ID: 1014386). Advanced modeling of protein sequence and biophysical properties (such as structural, functional, and spatial information, amino acid conservation, physicochemical variation, residue mobility, and thermodynamic stability) has been performed at Invitae for this missense variant, however the output from this modeling did not meet the statistical confidence thresholds required to predict the impact of this variant on ABCA4 protein function. In summary, the available evidence is currently insufficient to determine the role of this variant in disease. Therefore, it has been classified as a Variant of Uncertain Significance.